The following is an entry in ClinVar:

NM_002497.4(NEK2):c.50G>A (p.Gly17Asp)

Genes: NEK2 (NIMA related kinase 2; minus strand), LOC129932452 (ATAC-STARR-seq lymphoblastoid active region 2489; plus strand). Cytogenetic location: 1q32.3.
Variant type: single nucleotide variant.
Coding change: c.50G>A on transcript NM_002497.4 (MANE Select); coding-DNA position 50, G replaced by A.
Protein change: p.Gly17Asp; replaces glycine 17 with aspartic acid.
Molecular consequence: missense variant.
Genome position (GRCh38, 1-based): chr1:211,675,430, C>T on the plus strand (G>A on the coding strand, the complement: NEK2 is on the minus strand). VCF-style: chr1-211675430-C-T. GRCh37 (hg19) VCF-style: chr1-211848772-C-T.
Other names: c.50G>A, p.Gly17Asp (NM_001204182.2, NM_001204183.2); short protein forms G17D.
Identifiers: ClinVar variation 1491837 (VCV001491837.10), dbSNP rs371921288, ClinGen allele CA1381777.

ClinVar aggregate classification (germline): Uncertain significance. Review status: criteria provided, multiple submitters, no conflicts (2 of 4 stars). 3 submissions from 3 submitters: Uncertain significance (2). 1 of the submissions does not count toward it. Last evaluated 2024-10-29.

Conditions:
Retinal dystrophy. Also called: Inherited retinal dystrophy. Identifiers: Orphanet 71862, MedGen C0854723, MeSH D058499, MONDO:0019118, HP:0000556.

Allele frequency attached by ClinVar (database versions not stated): gnomAD exomes 0.00001 and 0.00004; ExAC 0.00006; gnomAD 0.00011; 1000 Genomes Project 30x 0.00016; TOPMed 0.00018; 1000 Genomes Project 0.00020; ESP Exome Variant Server 0.00023.
gnomAD v4.1: 23 of 1,613,936 alleles (0.0014%); highest among the groups gnomAD compares: African/African-American, 0.031%; no homozygotes.

Submissions (3):

Labcorp Genetics (formerly Invitae), Labcorp
Classification: Uncertain significance. Last evaluated: 2024-10-29. Review status: criteria provided, single submitter. Criteria: Invitae Variant Classification Sherloc (09022015). Collection method: clinical testing. Allele origin: germline.
Comment: This sequence change replaces glycine, which is neutral and non-polar, with aspartic acid, which is acidic and polar, at codon 17 of the NEK2 protein (p.Gly17Asp). This variant is present in population databases (rs371921288, gnomAD 0.05%). This variant has not been reported in the literature in individuals affected with NEK2-related conditions. ClinVar contains an entry for this variant (Variation ID: 1491837). An algorithm developed to predict the effect of missense changes on protein structure and function (PolyPhen-2) suggests that this variant is likely to be disruptive. In summary, the available evidence is currently insufficient to determine the role of this variant in disease. Therefore, it has been classified as a Variant of Uncertain Significance.

Blueprint Genetics
Classification: Uncertain significance. Last evaluated: 2024-03-13. Review status: criteria provided, single submitter. Criteria: ACMG Guidelines, 2015. Collection method: clinical testing. Allele origin: germline.

Institute of Human Genetics, Univ. Regensburg, Univ. Regensburg
Classification: Uncertain significance for Retinal dystrophy. Last evaluated: 2022-01-01. Review status: no assertion criteria provided. Criteria: ACMG Guidelines, 2015. Collection method: clinical testing. Allele origin: germline. Affected: yes. Not counted in ClinVar's aggregate classification.